The following is an entry in ClinVar:

ClinVar aggregate classification (germline): Pathogenic/Likely pathogenic. Review status: criteria provided, multiple submitters, no conflicts (2 of 4 stars). 3 submissions from 3 submitters: Pathogenic (1); Likely pathogenic (2). Last evaluated 2025-10-21.

Conditions:
Primary ciliary dyskinesia. Also called: Ciliary dyskinesia. Identifiers: Orphanet 244, MedGen C0008780, MONDO:0016575, HP:0012265.
Primary ciliary dyskinesia 14. Also called: CILIARY DYSKINESIA, PRIMARY, 14, WITH OR WITHOUT SITUS INVERSUS. Identifiers: Orphanet 244, MedGen C3151136, MONDO:0013434, OMIM 613807.

Allele frequency attached by ClinVar (database versions not stated): gnomAD exomes 0.00001 and 0.00002.

Submissions (3):

Labcorp Genetics (formerly Invitae), Labcorp
Classification: Likely pathogenic for Primary ciliary dyskinesia. Last evaluated: 2025-10-21. Review status: criteria provided, single submitter. Criteria: Invitae Variant Classification Sherloc (09022015). Collection method: clinical testing. Allele origin: germline.
Comment: This sequence change affects an acceptor splice site in intron 14 of the CCDC39 gene. It is expected to disrupt RNA splicing. Variants that disrupt the donor or acceptor splice site typically lead to a loss of protein function (PMID: 16199547), and loss-of-function variants in CCDC39 are known to be pathogenic (PMID: 21131972, 23255504). This variant is present in population databases (no rsID available, gnomAD 0.02%). This variant has not been reported in the literature in individuals affected with CCDC39-related conditions. ClinVar contains an entry for this variant (Variation ID: 1322038). Algorithms developed to predict the effect of sequence changes on RNA splicing suggest that this variant may disrupt the consensus splice site. In summary, the currently available evidence indicates that the variant is pathogenic, but additional data are needed to prove that conclusively. Therefore, this variant has been classified as Likely Pathogenic.

Ambry Genetics
Classification: Likely pathogenic for Primary ciliary dyskinesia. Last evaluated: 2023-12-13. Review status: criteria provided, single submitter. Criteria: Ambry Variant Classification Scheme 2023. Collection method: clinical testing. Allele origin: germline.
Comment: The c.1999-2A>T intronic variant results from an A to T substitution two nucleotides upstream from coding exon 15 in the CCDC39 gene. This nucleotide position is highly conserved in available vertebrate species. In silico splice site analysis predicts that this alteration will weaken the native splice acceptor site. Alterations that disrupt the canonical splice site are expected to cause aberrant splicing, resulting in an abnormal protein or a transcript that is subject to nonsense-mediated mRNA decay. As such, this alteration is classified as likely pathogenic.

Revvity Omics, Revvity
Classification: Pathogenic for Primary ciliary dyskinesia 14. Last evaluated: 2019-10-04. Review status: criteria provided, single submitter. Criteria: ACMG Guidelines, 2015. Collection method: clinical testing. Allele origin: germline.

Literature cited by the submitters: PubMed 16199547 (cited by Labcorp Genetics (formerly Invitae), Labcorp); PubMed 21131972 (cited by Labcorp Genetics (formerly Invitae), Labcorp); PubMed 23255504 (cited by Labcorp Genetics (formerly Invitae), Labcorp).

NM_181426.2(CCDC39):c.1999-2A>T

Gene: CCDC39 (coiled-coil domain 39 molecular ruler complex subunit; minus strand). Cytogenetic location: 3q26.33.
Variant type: single nucleotide variant.
Coding change: c.1999-2A>T on transcript NM_181426.2 (MANE Select); the canonical splice acceptor site of the intron before coding-DNA position 1999, A replaced by T.
Molecular consequence: splice acceptor variant.
Genome position (GRCh38, 1-based): chr3:180,619,972, T>A on the plus strand (A>T on the coding strand, the complement: CCDC39 is on the minus strand). VCF-style: chr3-180619972-T-A. GRCh37 (hg19) VCF-style: chr3-180337760-T-A.
Identifiers: ClinVar variation 1322038 (VCV001322038.10), dbSNP rs1399517463, ClinGen allele CA355307458.